The following is an entry in ClinVar:

ClinVar aggregate classification (germline): Likely benign. Review status: criteria provided, single submitter (1 of 4 stars). 2 submissions from 2 submitters: Likely benign (1). 1 of the submissions does not count toward it. Last evaluated 2024-10-08.

Conditions:
ABCA2-related disorder. Also called: ABCA2-related condition.

Allele frequency attached by ClinVar (database versions not stated): ExAC 0.00005; gnomAD 0.00005; TOPMed 0.00005; 1000 Genomes Project 0.00060; 1000 Genomes Project 30x 0.00078.
gnomAD v4.1: 31 of 1,555,230 alleles (0.002%); highest among the groups gnomAD compares: Admixed American, 0.016%; no homozygotes.

Submissions (2):

Blueprint Genetics
Classification: Likely benign. Last evaluated: 2024-10-08. Review status: criteria provided, single submitter. Criteria: ACMG Guidelines, 2015. Collection method: clinical testing. Allele origin: germline.

PreventionGenetics, part of Exact Sciences
Classification: Likely benign for ABCA2-related condition. Last evaluated: 2019-08-09. Review status: no assertion criteria provided. Collection method: clinical testing. Allele origin: germline. Not counted in ClinVar's aggregate classification.
Comment: This variant is classified as likely benign based on ACMG/AMP sequence variant interpretation guidelines (Richards et al. 2015 PMID: 25741868, with internal and published modifications).

NM_001606.5(ABCA2):c.5604G>A (p.Thr1868=)

Gene: ABCA2 (ATP binding cassette subfamily A member 2; minus strand). Cytogenetic location: 9q34.3.
Variant type: single nucleotide variant.
Coding change: c.5604G>A on transcript NM_001606.5 (MANE Select); coding-DNA position 5604, G replaced by A.
Protein change: p.Thr1868=; no amino-acid change (threonine 1868 retained).
Molecular consequence: synonymous variant.
Genome position (GRCh38, 1-based): chr9:137,011,681, C>T on the plus strand (G>A on the coding strand, the complement: ABCA2 is on the minus strand). VCF-style: chr9-137011681-C-T. GRCh37 (hg19) VCF-style: chr9-139906133-C-T.
Other names: c.5601G>A, p.Thr1867= (NM_001411042.1); c.5694G>A, p.Thr1898= (NM_212533.3).
Identifiers: ClinVar variation 3035769 (VCV003035769.3), dbSNP rs529755142, ClinGen allele CA5353939.